The following is an entry in ClinVar:

NM_032856.5(WDR73):c.1132dup (p.Arg378fs)

Gene: WDR73 (WD repeat domain 73; minus strand). Cytogenetic location: 15q25.2.
Variant type: Duplication.
Coding change: c.1132dup on transcript NM_032856.5 (MANE Select); coding-DNA position 1132, one base duplicated (C; older notation c.1132dupC).
Protein change: p.Arg378fs; shifts the reading frame from arginine 378.
Molecular consequence: frameshift variant. On other transcripts: non-coding transcript variant (4).
Genome position (GRCh38, 1-based): chr15:84,643,475, G duplicated on the plus strand (C on the coding strand, the reverse complement: WDR73 is on the minus strand); the first of 6 consecutive G bases (chr15:84,643,475-84,643,480); duplicating any one gives the same sequence. VCF-style (leftmost placement, unchanged base first): chr15-84643474-C-CG. GRCh37 (hg19) VCF-style: chr15-85186705-C-CG.
Other names: c.1132dupC (NM_032856.5, NM_032856.3); short protein forms R378fs.
Identifiers: ClinVar variation 286528 (VCV000286528.20), dbSNP rs747109506, ClinGen allele CA7707134.

ClinVar aggregate classification (germline): Conflicting classifications of pathogenicity. Review status: criteria provided, conflicting classifications (1 of 4 stars). 6 submissions from 6 submitters: Uncertain significance (3); Likely benign (2). 1 of the submissions does not count toward it. Last evaluated 2026-02-04.

Conditions:
Galloway-Mowat syndrome 1 (GAMOS1). Identifiers: Orphanet 2065, Orphanet 83472, MedGen C4551772, MONDO:0033005, OMIM 251300.
WDR73-related disorder. Also called: WDR73-related disorders; WDR73-related condition.

Submissions (6):

Women's Health and Genetics/Laboratory Corporation of America, LabCorp
Classification: Likely benign. Last evaluated: 2026-02-04. Review status: criteria provided, single submitter. Criteria: LabCorp Variant Classification Summary - May 2015. Collection method: clinical testing. Allele origin: germline.
Comment: Variant summary: WDR73 c.1132dupC (p.Arg378ProfsX12) causes a frameshift which results in an extension of the protein. The variant allele was found at a frequency of 0.00015 in 1553856 control chromosomes, predominantly at a frequency of 0.0025 within the African or African-American subpopulation in the gnomAD database. The observed variant frequency within African or African-American control individuals in the gnomAD database exceeds the estimated maximal expected allele frequency for disease-causing variants in WDR73. To our knowledge, no occurrence of c.1132dupC in individuals affected with WDR73-related conditions and no experimental evidence demonstrating its impact on protein function have been reported. ClinVar contains an entry for this variant (Variation ID: 286528). Based on the evidence outlined above, the variant was classified as likely benign.

Labcorp Genetics (formerly Invitae), Labcorp
Classification: Likely benign. Last evaluated: 2025-12-08. Review status: criteria provided, single submitter. Criteria: Invitae Variant Classification Sherloc (09022015). Collection method: clinical testing. Allele origin: germline.

GeneDx
Classification: Uncertain significance. Last evaluated: 2022-12-31. Review status: criteria provided, single submitter. Criteria: GeneDx Variant Classification Process June 2021. Collection method: clinical testing. Allele origin: germline. Affected: yes.
Comment: Frameshift variant predicted to result in protein elongation as the last amino acid is replaced with 11 different amino acids, although loss-of-function variants have not been reported downstream of this position in the protein; Has not been previously published as pathogenic or benign to our knowledge

Johns Hopkins Genomics, Johns Hopkins University
Classification: Uncertain significance for Galloway-Mowat syndrome 1. Last evaluated: 2022-11-16. Review status: criteria provided, single submitter. Criteria: ACMG Guidelines, 2015. Collection method: clinical testing. Allele origin: germline.

Eurofins Ntd Llc (ga)
Classification: Uncertain significance. Last evaluated: 2016-03-28. Review status: criteria provided, single submitter. Criteria: EGL Classification Definitions. Collection method: clinical testing. Allele origin: germline. Observed: 1 variant allele, 1 heterozygote.

PreventionGenetics, part of Exact Sciences
Classification: Likely benign for WDR73-related condition. Last evaluated: 2022-05-06. Review status: no assertion criteria provided. Collection method: clinical testing. Allele origin: germline. Not counted in ClinVar's aggregate classification.
Comment: This variant is classified as likely benign based on ACMG/AMP sequence variant interpretation guidelines (Richards et al. 2015 PMID: 25741868, with internal and published modifications).